The following is an entry in ClinVar:

NM_080680.3(COL11A2):c.4553G>A (p.Gly1518Glu)

Gene: COL11A2 (collagen type XI alpha 2 chain; minus strand). Cytogenetic location: 6p21.32.
Variant type: single nucleotide variant.
Coding change: c.4553G>A on transcript NM_080680.3 (MANE Select); coding-DNA position 4553, G replaced by A.
Protein change: p.Gly1518Glu; replaces glycine 1518 with glutamic acid.
Molecular consequence: missense variant.
Genome position (GRCh38, 1-based): chr6:33,165,746, C>T on the plus strand (G>A on the coding strand, the complement: COL11A2 is on the minus strand). VCF-style: chr6-33165746-C-T. GRCh37 (hg19) VCF-style: chr6-33133523-C-T.
Other names: c.4373G>A, p.Gly1458Glu (NM_001424108.1); c.3707G>A, p.Gly1236Glu (NM_001424109.1); c.3527G>A, p.Gly1176Glu (NM_001424110.1, NM_001424111.1); c.2507G>A, p.Gly836Glu (NM_001424112.1); c.4232G>A, p.Gly1411Glu (NM_080679.3); c.4295G>A, p.Gly1432Glu (NM_080681.3); short protein forms G1432E, G1236E, G1411E, G1518E, G1458E, G1176E, G836E.
Identifiers: ClinVar variation 3698681 (VCV003698681.2).

ClinVar aggregate classification (germline): Uncertain significance (1 of 4 stars; one submission).

gnomAD v4.1: 3 of 1,612,072 alleles (0.00019%); highest among the groups gnomAD compares: Non-Finnish European, 0.00025%; no homozygotes.

Submission:

Labcorp Genetics (formerly Invitae), Labcorp
Classification: Uncertain significance. Last evaluated: 2024-03-20. Review status: criteria provided, single submitter. Criteria: Invitae Variant Classification Sherloc (09022015). Collection method: clinical testing. Allele origin: germline.
Comment: This sequence change replaces glycine, which is neutral and non-polar, with glutamic acid, which is acidic and polar, at codon 1518 of the COL11A2 protein (p.Gly1518Glu). This variant is not present in population databases (gnomAD no frequency). This variant has not been reported in the literature in individuals affected with COL11A2-related conditions. Advanced modeling of protein sequence and biophysical properties (such as structural, functional, and spatial information, amino acid conservation, physicochemical variation, residue mobility, and thermodynamic stability) performed at Invitae indicates that this missense variant is not expected to disrupt COL11A2 protein function with a negative predictive value of 95%. In summary, the available evidence is currently insufficient to determine the role of this variant in disease. Therefore, it has been classified as a Variant of Uncertain Significance.